The following is an entry in ClinVar:

NM_001267550.2(TTN):c.103786C>T (p.Arg34596Cys)

Genes: TTN (titin; minus strand), TTN-AS1 (TTN antisense RNA 1; plus strand). Cytogenetic location: 2q31.2.
Variant type: single nucleotide variant.
Coding change: c.103786C>T on transcript NM_001267550.2 (MANE Select); coding-DNA position 103786, C replaced by T.
Protein change: p.Arg34596Cys; replaces arginine 34596 with cysteine.
Molecular consequence: missense variant.
Genome position (GRCh38, 1-based): chr2:178,532,829, G>A on the plus strand (C>T on the coding strand, the complement: TTN is on the minus strand). VCF-style: chr2-178532829-G-A. GRCh37 (hg19) VCF-style: chr2-179397556-G-A.
Other names: c.98863C>T, p.Arg32955Cys (NM_001256850.1); c.76591C>T, p.Arg25531Cys (NM_003319.4); c.96082C>T, p.Arg32028Cys (NM_133378.4); c.76966C>T, p.Arg25656Cys (NM_133432.3); c.77167C>T, p.Arg25723Cys (NM_133437.4); short protein forms R25531C, R25656C, R25723C, R32028C, R32955C, R34596C.
Identifiers: ClinVar variation 1163222 (VCV001163222.11), dbSNP rs372754970, ClinGen allele CA1985542.

ClinVar aggregate classification (germline): Uncertain significance. Review status: criteria provided, multiple submitters, no conflicts (2 of 4 stars). 3 submissions from 3 submitters: Uncertain significance (3). Last evaluated 2025-02-04.

Conditions:
Dilated cardiomyopathy 1G (CMD1G). Identifiers: Orphanet 154, MedGen C1858763, MONDO:0011400, OMIM 604145.
Autosomal recessive limb-girdle muscular dystrophy type 2J (LGMDR10). Also called: Limb-girdle muscular dystrophy, type 2J; MUSCULAR DYSTROPHY, LIMB-GIRDLE, AUTOSOMAL RECESSIVE 10. Identifiers: Orphanet 140922, MedGen C1837342, MONDO:0012127, OMIM 608807.
Myopathy, myofibrillar, 9, with early respiratory failure (MFM9). Also called: EDSTROM MYOPATHY; MYOPATHY, PROXIMAL, WITH EARLY RESPIRATORY MUSCLE INVOLVEMENT; Hereditary myopathy with early respiratory failure; Myopathy, distal, with early respiratory failure, autosomal dominant. Identifiers: Orphanet 178464, Orphanet 34521, MedGen C1863599, MONDO:0011362, OMIM 603689.
Hypertrophic cardiomyopathy 9. Also called: Familial hypertrophic cardiomyopathy 9. Identifiers: MedGen C1861065, MONDO:0013412, OMIM 613765.
Tibial muscular dystrophy (TMD). Also called: Udd Distal Myopathy – Tibial Muscular Dystrophy; UDD MYOPATHY; Tibial muscular dystrophy, tardive. Identifiers: Orphanet 609, MedGen C1838244, MONDO:0010870, OMIM 600334.
Early-onset myopathy with fatal cardiomyopathy (CMYO5). Also called: Salih Myopathy; CONGENITAL MYOPATHY 5 WITH CARDIOMYOPATHY. Identifiers: Orphanet 289377, MedGen C2673677, MONDO:0012714, OMIM 611705. Disease mechanism: loss of function.

Allele frequency attached by ClinVar (database versions not stated): gnomAD exomes 0.00001 and 0.00002; ExAC 0.00003; TOPMed 0.00004; gnomAD 0.00005; ESP Exome Variant Server 0.00008.
gnomAD v4.1: 20 of 1,613,806 alleles (0.0012%); highest among the groups gnomAD compares: African/African-American, 0.011%; no homozygotes.

Submissions (3):

Labcorp Genetics (formerly Invitae), Labcorp
Classification: Uncertain significance for Dilated cardiomyopathy 1G; Autosomal recessive limb-girdle muscular dystrophy type 2J. Last evaluated: 2025-02-04. Review status: criteria provided, single submitter. Criteria: Invitae Variant Classification Sherloc (09022015). Collection method: clinical testing. Allele origin: germline.
Comment: This sequence change replaces arginine, which is basic and polar, with cysteine, which is neutral and slightly polar, at codon 34596 of the TTN protein (p.Arg34596Cys). This variant is present in population databases (rs372754970, gnomAD 0.01%). This variant has not been reported in the literature in individuals affected with TTN-related conditions. ClinVar contains an entry for this variant (Variation ID: 1163222). Experimental studies and prediction algorithms are not available or were not evaluated, and the functional significance of this variant is currently unknown. This variant is located in the M band of TTN (PMID: 25589632). Non-truncating variants in this region may be relevant for neuromuscular disorders, but have not been definitively shown to cause cardiomyopathy (PMID: 23975875). In summary, the available evidence is currently insufficient to determine the role of this variant in disease. Therefore, it has been classified as a Variant of Uncertain Significance.

Fulgent Genetics
Classification: Uncertain significance for Tibial muscular dystrophy; Myopathy, myofibrillar, 9, with early respiratory failure; Dilated cardiomyopathy 1G; Autosomal recessive limb-girdle muscular dystrophy type 2J; Early-onset myopathy with fatal cardiomyopathy; Hypertrophic cardiomyopathy 9. Last evaluated: 2024-04-24. Review status: criteria provided, single submitter. Criteria: ACMG Guidelines, 2015. Collection method: clinical testing. Allele origin: germline.

Mayo Clinic Laboratories, Mayo Clinic
Classification: Uncertain significance. Last evaluated: 2019-09-08. Review status: criteria provided, single submitter. Criteria: ACMG Guidelines, 2015. Collection method: clinical testing. Allele origin: germline. Observed: 1 variant allele.

Literature cited by the submitters: PubMed 25589632 (cited by Labcorp Genetics (formerly Invitae), Labcorp); PubMed 23975875 (cited by Labcorp Genetics (formerly Invitae), Labcorp).